The following is an entry in ClinVar:

NM_201596.3(CACNB2):c.804+8T>C

Gene: CACNB2 (calcium voltage-gated channel auxiliary subunit beta 2; plus strand). Cytogenetic location: 10p12.31.
Variant type: single nucleotide variant.
Coding change: c.804+8T>C on transcript NM_201596.3 (MANE Select); 8 bases into the intron after coding-DNA position 804, T replaced by C.
Molecular consequence: intron variant.
Genome position (GRCh38, 1-based): chr10:18,514,377, T>C. VCF-style: chr10-18514377-T-C. GRCh37 (hg19) VCF-style: chr10-18803306-T-C.
Other names: c.720+8T>C (NM_201571.4); c.587-134T>C (NM_001167945.2); c.587-603T>C (NM_201572.4); c.671-134T>C (NM_201593.3); c.671-603T>C (NM_201597.3); c.639+8T>C (NM_000724.4); c.506-134T>C (NM_001330060.2); c.642+8T>C (NM_201590.3); and 2 more.
Identifiers: ClinVar variation 4989380 (VCV004989380.1).

ClinVar aggregate classification (germline): Likely benign (1 of 4 stars; one submission).

Conditions:
CACNB2-related disorder. Also called: CACNB2-related condition.

Submission:

PreventionGenetics, part of Exact Sciences
Classification: Likely benign for CACNB2-related condition. Last evaluated: 2026-02-06. Review status: criteria provided, single submitter. Criteria: ACMG Guidelines, 2015. Collection method: clinical testing. Allele origin: germline.
Comment: This variant is classified as likely benign based on ACMG/AMP sequence variant interpretation guidelines (Richards et al. 2015 PMID: 25741868, with internal and published modifications).